The following is an entry in ClinVar:

ClinVar aggregate classification (germline): Conflicting classifications of pathogenicity. Review status: criteria provided, conflicting classifications (1 of 4 stars). 4 submissions from 4 submitters: Uncertain significance (2); Benign (1); Likely benign (1). Last evaluated 2026-01-01.

Conditions:
Inborn genetic diseases. Identifiers: MedGen C0950123, MeSH D030342.

Allele frequency attached by ClinVar (database versions not stated): ExAC 0.00006; gnomAD 0.00006 and 0.00007; gnomAD exomes 0.00007 and 0.00010; TOPMed 0.00009.
gnomAD v4.1: 156 of 1,609,182 alleles (0.0097%); highest among the groups gnomAD compares: Middle Eastern, 0.016%; no homozygotes.

Submissions (4):

CeGaT Center for Human Genetics Tuebingen
Classification: Likely benign. Last evaluated: 2026-01-01. Review status: criteria provided, single submitter. Criteria: CeGaT Center For Human Genetics Tuebingen Variant Classification Criteria Version 2. Collection method: clinical testing. Allele origin: germline. Affected: yes. Observed: 1 variant allele.
Comment: SPTBN2: BP4

Ambry Genetics
Classification: Uncertain significance for Inborn genetic diseases. Last evaluated: 2025-07-03. Review status: criteria provided, single submitter. Criteria: Ambry Variant Classification Scheme 2023. Collection method: clinical testing. Allele origin: germline.

Labcorp Genetics (formerly Invitae), Labcorp
Classification: Uncertain significance. Last evaluated: 2024-02-23. Review status: criteria provided, single submitter. Criteria: Invitae Variant Classification Sherloc (09022015). Collection method: clinical testing. Allele origin: germline.
Comment: This sequence change replaces arginine, which is basic and polar, with glutamine, which is neutral and polar, at codon 1020 of the SPTBN2 protein (p.Arg1020Gln). This variant is present in population databases (rs758312194, gnomAD 0.01%). This variant has not been reported in the literature in individuals affected with SPTBN2-related conditions. ClinVar contains an entry for this variant (Variation ID: 448493). Advanced modeling of protein sequence and biophysical properties (such as structural, functional, and spatial information, amino acid conservation, physicochemical variation, residue mobility, and thermodynamic stability) performed at Invitae indicates that this missense variant is not expected to disrupt SPTBN2 protein function with a negative predictive value of 80%. In summary, the available evidence is currently insufficient to determine the role of this variant in disease. Therefore, it has been classified as a Variant of Uncertain Significance.

Athena Diagnostics
Classification: Benign. Last evaluated: 2017-06-06. Review status: criteria provided, single submitter. Criteria: Athena Diagnostics Criteria. Collection method: clinical testing. Allele origin: germline.

NM_006946.4(SPTBN2):c.3059G>A (p.Arg1020Gln)

Gene: SPTBN2 (spectrin beta, non-erythrocytic 2; minus strand). Cytogenetic location: 11q13.2.
Variant type: single nucleotide variant.
Coding change: c.3059G>A on transcript NM_006946.4 (MANE Select); coding-DNA position 3059, G replaced by A.
Protein change: p.Arg1020Gln; replaces arginine 1020 with glutamine.
Molecular consequence: missense variant.
Genome position (GRCh38, 1-based): chr11:66,701,040, C>T on the plus strand (G>A on the coding strand, the complement: SPTBN2 is on the minus strand). VCF-style: chr11-66701040-C-T. GRCh37 (hg19) VCF-style: chr11-66468511-C-T.
Other names: short protein forms R1020Q.
Identifiers: ClinVar variation 448493 (VCV000448493.10), dbSNP rs758312194, ClinGen allele CA6128944.